The following is an entry in ClinVar:

NM_001142800.2(EYS):c.9286_9295del (p.Val3096fs)

Genes: EYS (EGF-like photoreceptor maintenance factor; minus strand), PHF3 (PHD finger protein 3; plus strand). Cytogenetic location: 6q12.
Variant type: Deletion.
Coding change: c.9286_9295del on transcript NM_001142800.2 (MANE Select); coding-DNA positions 9286 to 9295, 10 bases deleted (GTAAATATCG; older notation c.9286_9295delGTAAATATCG).
Protein change: p.Val3096fs; shifts the reading frame from valine 3096.
Molecular consequence: frameshift variant. On other transcripts: 3 prime UTR variant (5).
Genome position (GRCh38, 1-based): chr6:63,720,736-63,720,745, CGATATTTAC deleted on the plus strand (GTAAATATCG on the coding strand, the reverse complement: EYS is on the minus strand); deleting any 10 consecutive bases within chr6:63,720,736-63,720,746 gives the same sequence; the c. name uses the placement nearest the transcript's 3' end. VCF-style (leftmost placement, unchanged base first): chr6-63720735-ACGATATTTAC-A. GRCh37 (hg19) VCF-style: chr6-64430631-ACGATATTTAC-A.
Other names: c.9286_9295delGTAAATATCG (NM_001142800.2); c.9286_9295del10 (NM_001142800.1, NM_001142800.2); c.*7029_*7038del (NM_001290259.2, NM_001370348.2, NM_001370349.2 and 2 more transcripts); c.9349_9358del, p.Val3117fs (NM_001292009.2); short protein forms V3117fs, V3096fs.
Identifiers: ClinVar variation 289906 (VCV000289906.38), dbSNP rs770748359, ClinGen allele CA3876673.
Genomic context (GRCh38, chr6:63,720,735, plus strand): 5'-TGAAAAAATACAACATCTTTAATTTTGCCAACAAAATTGGTTTTAAAAATCTCTTGAGTA[ACGATATTTAC>A]CTTTCTACCATATTCAAAGCCCCCTAGATAACAAATGCCATCATAGTTTAGAGCCACAAA-3'

ClinVar aggregate classification (germline): Pathogenic/Likely pathogenic. Review status: criteria provided, multiple submitters, no conflicts (2 of 4 stars). 16 submissions from 16 submitters: Pathogenic (13); Likely pathogenic (1). 2 of the submissions do not count toward it. Last evaluated 2026-07-30.

Conditions:
EYS-related disorder. Also called: EYS-related condition.
Retinitis pigmentosa (RP). Identifiers: Orphanet 791, MedGen C0035334, MeSH D012174, MONDO:0019200, OMIM 268000. Inheritance: Autosomal dominant, autosomal recessive and X linked inheritance.
Retinitis pigmentosa 25 (RP25). Identifiers: Orphanet 791, MedGen C1864446, MONDO:0011272, OMIM 602772.

Submissions (16):

PreventionGenetics, part of Exact Sciences
Classification: Pathogenic for EYS-related condition. Last evaluated: 2026-07-30. Review status: criteria provided, single submitter. Criteria: ACMG Guidelines, 2015. Collection method: clinical testing. Allele origin: germline.
Comment: The EYS c.9286_9295del10 variant is predicted to result in a frameshift and premature protein termination (p.Val3096Leufs*28). This variant has been reported, in the homozygous state or in the heterozygous state along with a second possible causative variant in the same gene, in several individuals with retinitis pigmentosa (see for example, Beryozkin et al. 2014. PubMed ID: 24474277; supplementary data, Zampaglione et al. 2020. PubMed ID: 32037395; supplementary data, Tracewska et al 2021. PubMed ID: 34321860; supplementary data, Weisschuh et al. 2024. PubMed ID: 37734845; Sengillo et al. 2018. PubMed ID: 29550188). This variant is reported in 0.25% of alleles in individuals of Ashkenazi Jewish descent in gnomAD. Frameshift variants in EYS are expected to be pathogenic. This variant is interpreted as pathogenic.

Labcorp Genetics (formerly Invitae), Labcorp
Classification: Pathogenic. Last evaluated: 2026-01-28. Review status: criteria provided, single submitter. Criteria: Invitae Variant Classification Sherloc (09022015). Collection method: clinical testing. Allele origin: germline.
Comment: This sequence change creates a premature translational stop signal (p.Val3096Leufs*28) in the EYS gene. While this is not anticipated to result in nonsense mediated decay, it is expected to disrupt the last 49 amino acid(s) of the EYS protein. This variant is present in population databases (rs770748359, gnomAD 0.3%). This premature translational stop signal has been observed in individuals with EYS-related conditions (PMID: 24474277, 26261414, 29550188). ClinVar contains an entry for this variant (Variation ID: 289906). This variant disrupts the C-terminus of the EYS protein. Other variant(s) that disrupt this region (p.Tyr3135*, p.Asn3123Lysfs*3) have been observed in individuals with EYS-related conditions (PMID: 18976725, 20333770). This suggests that this may be a clinically significant region of the protein. For these reasons, this variant has been classified as Pathogenic.

GeneDx
Classification: Pathogenic. Last evaluated: 2025-11-26. Review status: criteria provided, single submitter. Criteria: GeneDx Variant Classification Process June 2021. Collection method: clinical testing. Allele origin: germline. Affected: yes.
Comment: Frameshift variant predicted to result in abnormal protein length as the last 49 amino acids are replaced with 27 different amino acids, and other similar variants have been reported in HGMD; This variant is associated with the following publications: (PMID: 31980526, 26261414, 24474277, 34321860, 37734845, 34906470, 31589614, 32037395, 29550188, 36978159)

Natera, Inc.
Classification: Pathogenic for Retinitis pigmentosa type 25. Last evaluated: 2025-10-04. Review status: criteria provided, single submitter. Criteria: Natera Variant Classification Schema (03/2026). Collection method: clinical testing. Allele origin: germline.
Comment: The c.9286_9295delGTAAATATCG variant in EYS is a frameshift variant predicted to shift the reading frame beginning at codon 3096 and leads to a stop codon 28 codons downstream. This variant is expected to result in nonsense mediated decay, truncation, or a dysfunctional protein product. This variant is rare in the general population with a frequency below the threshold expected for the associated phenotype(s). This variant has been observed in one or more individuals affected with the associated recessive disease, as either homozygous or compound heterozygous with a second variant (PMID: 28704921, 29276052). Given the available evidence, this variant is classified as Pathogenic.

Women's Health and Genetics/Laboratory Corporation of America, LabCorp
Classification: Pathogenic for Retinitis pigmentosa. Last evaluated: 2025-04-29. Review status: criteria provided, single submitter. Criteria: LabCorp Variant Classification Summary - May 2015. Collection method: clinical testing. Allele origin: germline.
Comment: Variant summary: EYS c.9286_9295del10 (p.Val3096LeufsX28) results in a premature termination codon, predicted to cause a truncation of the encoded protein, which is a commonly known mechanism for disease. The variant allele was found at a frequency of 0.00017 in 154606 control chromosomes. This frequency is not significantly higher than estimated for a pathogenic variant in EYS causing Retinitis Pigmentosa (0.00017 vs 0.0034), allowing no conclusion about variant significance. c.9286_9295del10 has been observed in multiple individuals affected with Retinitis Pigmentosa (e.g. Kimchi_2018). These data indicate that the variant is very likely to be associated with disease.The following publication has been ascertained in the context of this evaluation (PMID: 29276052). ClinVar contains an entry for this variant (Variation ID: 289906). Based on the evidence outlined above, the variant was classified as pathogenic.

Revvity Omics, Revvity
Classification: Pathogenic for Retinitis pigmentosa 25. Last evaluated: 2025-01-13. Review status: criteria provided, single submitter. Criteria: ACMG Guidelines, 2015. Collection method: clinical testing. Allele origin: germline.

Baylor Genetics
Classification: Pathogenic for Retinitis pigmentosa 25. Last evaluated: 2024-03-28. Review status: criteria provided, single submitter. Criteria: ACMG Guidelines, 2015. Collection method: clinical testing. Allele origin: unknown.

Blueprint Genetics
Classification: Pathogenic for EYS-related disorders. Last evaluated: 2024-03-02. Review status: criteria provided, single submitter. Criteria: ACMG Guidelines, 2015. Collection method: clinical testing. Allele origin: germline. Affected: yes. Observed: 5 variant alleles.

Fulgent Genetics
Classification: Pathogenic for Retinitis pigmentosa 25. Last evaluated: 2024-03-01. Review status: criteria provided, single submitter. Criteria: ACMG Guidelines, 2015. Collection method: clinical testing. Allele origin: germline.

Department of Pathology and Laboratory Medicine, Sinai Health System
Classification: Pathogenic for Retinitis pigmentosa 25. Last evaluated: 2023-08-02. Review status: criteria provided, single submitter. Criteria: ACMG Guidelines, 2015. Collection method: research. Allele origin: germline.

Ocular Genomics Institute, Massachusetts Eye and Ear
Classification: Likely pathogenic for Retinitis pigmentosa 25. Last evaluated: 2021-04-08. Review status: criteria provided, single submitter. Criteria: ACMG Guidelines, 2015. Collection method: research. Allele origin: germline. Affected: yes.
Comment: Through a review of available evidence we were able to apply the following criteria: PVS1, PM2, PP1. Based on this evidence we have classified this variant as Likely Pathogenic.

Broad Center for Mendelian Genomics, Broad Institute of MIT and Harvard
Classification: Pathogenic for Retinitis pigmentosa. Last evaluated: 2021-04-01. Review status: criteria provided, single submitter. Criteria: ACMG Guidelines, 2015. Collection method: curation. Allele origin: germline. Inheritance: Autosomal recessive inheritance. Affected: yes.
Comment: Through a review of available evidence we were able to apply the following criteria: PVS1, PM2, PP3. Based on this evidence we have classified this variant as Pathogenic. If you have any questions about the classification please reach out to the Pierce Lab.

Institute of Medical Genetics and Applied Genomics, University Hospital Tübingen
Classification: Pathogenic. Last evaluated: 2020-10-23. Review status: criteria provided, single submitter. Criteria: ACMG Guidelines, 2015. Collection method: clinical testing. Allele origin: germline. Inheritance: Autosomal recessive inheritance. Affected: yes.

Eurofins Ntd Llc (ga)
Classification: Pathogenic. Last evaluated: 2016-08-02. Review status: criteria provided, single submitter. Criteria: EGL Classification Definitions 2015. Collection method: clinical testing. Allele origin: germline.

Sharon lab, Hadassah-Hebrew University Medical Center
Classification: Pathogenic for Retinitis pigmentosa. Last evaluated: 2019-06-23. Review status: no assertion criteria provided. Collection method: research. Allele origin: inherited. Affected: yes. Not counted in ClinVar's aggregate classification.

Counsyl
Classification: Likely pathogenic for Retinitis pigmentosa 25. Last evaluated: 2017-05-09. Review status: no assertion criteria provided. Collection method: clinical testing. Allele origin: unknown. Not counted in ClinVar's aggregate classification.

Literature cited by the submitters: PubMed 24474277 (cited by 4 submitters); PubMed 26261414 (cited by 4 submitters); PubMed 29550188 (cited by Labcorp Genetics (formerly Invitae), Labcorp and Ocular Genomics Institute, Massachusetts Eye and Ear); PubMed 18976725 (cited by Labcorp Genetics (formerly Invitae), Labcorp and Ocular Genomics Institute, Massachusetts Eye and Ear); PubMed 20333770 (cited by Labcorp Genetics (formerly Invitae), Labcorp and Ocular Genomics Institute, Massachusetts Eye and Ear); PubMed 28704921 (cited by Natera, Inc.); PubMed 29276052 (cited by Natera, Inc. and Women's Health and Genetics/Laboratory Corporation of America, LabCorp); PubMed 34906470 (cited by Broad Center for Mendelian Genomics, Broad Institute of MIT and Harvard).